The following is an entry in ClinVar:

ClinVar aggregate classification (germline): Uncertain significance (1 of 4 stars; one submission).

Allele frequency attached by ClinVar (database versions not stated): gnomAD exomes 0.00001.
gnomAD v4.1: 15 of 1,596,172 alleles (0.00094%); highest among the groups gnomAD compares: Non-Finnish European, 0.0013%; no homozygotes.

Submission:

Labcorp Genetics (formerly Invitae), Labcorp
Classification: Uncertain significance. Last evaluated: 2022-06-23. Review status: criteria provided, single submitter. Criteria: Invitae Variant Classification Sherloc (09022015). Collection method: clinical testing. Allele origin: germline.
Comment: This sequence change replaces glutamic acid, which is acidic and polar, with alanine, which is neutral and non-polar, at codon 407 of the SCLT1 protein (p.Glu407Ala). This variant is not present in population databases (gnomAD no frequency). Algorithms developed to predict the effect of missense changes on protein structure and function are either unavailable or do not agree on the potential impact of this missense change (SIFT: "Deleterious"; PolyPhen-2: "Possibly Damaging"; Align-GVGD: "Class C0"). In summary, the available evidence is currently insufficient to determine the role of this variant in disease. Therefore, it has been classified as a Variant of Uncertain Significance. This variant has not been reported in the literature in individuals affected with SCLT1-related conditions.

NM_144643.4(SCLT1):c.1220A>C (p.Glu407Ala)

Gene: SCLT1 (sodium channel and clathrin linker 1; minus strand). Cytogenetic location: 4q28.2.
Variant type: single nucleotide variant.
Coding change: c.1220A>C on transcript NM_144643.4 (MANE Select); coding-DNA position 1220, A replaced by C.
Protein change: p.Glu407Ala; replaces glutamic acid 407 with alanine.
Molecular consequence: missense variant.
Genome position (GRCh38, 1-based): chr4:128,948,569, T>G on the plus strand (A>C on the coding strand, the complement: SCLT1 is on the minus strand). VCF-style: chr4-128948569-T-G. GRCh37 (hg19) VCF-style: chr4-129869724-T-G.
Other names: c.1220A>C, p.Glu407Ala (NM_001410807.1); short protein forms E407A.
Identifiers: ClinVar variation 1916717 (VCV001916717.5), dbSNP rs2530375216, ClinGen allele CA358187411.